The following is an entry in ClinVar:

NM_007294.4(BRCA1):c.2677A>T (p.Lys893Ter)

Gene: BRCA1 (BRCA1 DNA repair associated; minus strand). Cytogenetic location: 17q21.31.
Variant type: single nucleotide variant.
Coding change: c.2677A>T on transcript NM_007294.4 (MANE Select); coding-DNA position 2677, A replaced by T.
Protein change: p.Lys893Ter; replaces lysine 893 with a stop codon.
Molecular consequence: nonsense. On other transcripts: intron variant (137).
Genome position (GRCh38, 1-based): chr17:43,092,854, T>A on the plus strand (A>T on the coding strand, the complement: BRCA1 is on the minus strand). VCF-style: chr17-43092854-T-A. GRCh37 (hg19) VCF-style: chr17-41244871-T-A.
Other names: 2796A>T; c.2464A>T, p.Lys822Ter (NM_001407853.1, NM_001407894.1, NM_001407895.1 and 9 more transcripts); c.2677A>T, p.Lys893Ter (NM_001407854.1, NM_001407858.1, NM_001407859.1 and 30 more transcripts); c.2674A>T, p.Lys892Ter (NM_001407860.1, NM_001407861.1, NM_001407587.1 and 22 more transcripts); c.2476A>T, p.Lys826Ter (NM_001407862.1); c.2554A>T, p.Lys852Ter (NM_001407863.1, NM_001407919.1, NM_001407937.1 and 19 more transcripts); c.2473A>T, p.Lys825Ter (NM_001407874.1, NM_001407875.1); c.2467A>T, p.Lys823Ter (NM_001407879.1, NM_001407881.1, NM_001407882.1 and 13 more transcripts); and 42 more; short protein forms K893*, K846*, K765*, K823*, K826*, K766*, K781*, K804*.
Identifiers: ClinVar variation 37480 (VCV000037480.11), dbSNP rs80357170, ClinGen allele CA001754.

ClinVar aggregate classification (germline): Pathogenic. Review status: reviewed by expert panel (3 of 4 stars). 3 submissions from 3 submitters: Pathogenic (1). 2 of the submissions do not count toward it. Last evaluated 2016-09-08.

Conditions:
Hereditary breast ovarian cancer syndrome. Also called: Hereditary breast and ovarian cancer syndrome (HBOC); Hereditary breast and ovarian cancer syndrome; Hereditary breast and ovarian cancer; Hereditary breast and/or ovarian cancer syndrome; Breast and ovarian cancer; BRCA1- and BRCA2-Associated Hereditary Breast and Ovarian Cancer. Identifiers: Orphanet 145, MedGen C0677776, MeSH D061325, MONDO:0003582. Disease mechanism: loss of function.
Breast-ovarian cancer, familial, susceptibility to, 1 (BROVCA1). Also called: OVARIAN CANCER, SUSCEPTIBILITY TO; BRCA1 Hereditary Breast and Ovarian Cancer. Identifiers: Orphanet 145, MedGen C2676676, MONDO:0011450, OMIM 604370. Disease mechanism: loss of function.

Submissions (3):

Evidence-based Network for the Interpretation of Germline Mutant Alleles (ENIGMA)
Classification: Pathogenic for Breast-ovarian cancer, familial, susceptibility to, 1. Last evaluated: 2016-09-08. Review status: reviewed by expert panel. Criteria: ENIGMA BRCA1/2 Classification Criteria (2015). Collection method: curation. Allele origin: germline.
Comment: Variant allele predicted to encode a truncated non-functional protein.

Labcorp Genetics (formerly Invitae), Labcorp
Classification: Pathogenic for Hereditary breast ovarian cancer syndrome. Last evaluated: 2018-02-23. Review status: criteria provided, single submitter. Criteria: Invitae Variant Classification Sherloc (09022015). Collection method: clinical testing. Allele origin: germline. Not counted in ClinVar's aggregate classification.
Comment: This sequence change creates a premature translational stop signal (p.Lys893*) in the BRCA1 gene. It is expected to result in an absent or disrupted protein product. For these reasons, this variant has been classified as Pathogenic. Loss-of-function variants in BRCA1 are known to be pathogenic (PMID: 20104584). This variant has been reported in individuals in the Leiden Open-source Variation Database (PMID: 21520333). ClinVar contains an entry for this variant (Variation ID: 37480). This variant is not present in population databases (ExAC no frequency).

Sharing Clinical Reports Project (SCRP)
Classification: Pathogenic for Breast-ovarian cancer, familial 1. Last evaluated: 2009-03-03. Review status: no assertion criteria provided. Collection method: clinical testing. Allele origin: germline. Not counted in ClinVar's aggregate classification.

Literature cited by the submitters: PubMed 20104584 (cited by Labcorp Genetics (formerly Invitae), Labcorp); PubMed 21520333 (cited by Labcorp Genetics (formerly Invitae), Labcorp).